The following is an entry in ClinVar:

ClinVar aggregate classification (germline): Likely pathogenic. Review status: criteria provided, multiple submitters, no conflicts (2 of 4 stars). 3 submissions from 3 submitters: Likely pathogenic (3). Last evaluated 2021-11-01.

Conditions:
Autosomal recessive limb-girdle muscular dystrophy type 2J (LGMDR10). Also called: MUSCULAR DYSTROPHY, LIMB-GIRDLE, AUTOSOMAL RECESSIVE 10; Limb-girdle muscular dystrophy, type 2J. Identifiers: Orphanet 140922, MedGen C1837342, MONDO:0012127, OMIM 608807.
Dilated cardiomyopathy 1G (CMD1G). Identifiers: Orphanet 154, MedGen C1858763, MONDO:0011400, OMIM 604145.
Primary dilated cardiomyopathy (DCM). Also called: Dilated Cardiomyopathy. Identifiers: Orphanet 217604, MedGen C0007193, MeSH D002311, MONDO:0005021, HP:0001644. Inheritance: Various modes of inheritance.

Submissions (3):

Laboratory for Molecular Medicine, Mass General Brigham Personalized Medicine
Classification: Likely pathogenic for Primary dilated cardiomyopathy. Last evaluated: 2021-11-01. Review status: criteria provided, single submitter. Criteria: ACMG Guidelines, 2015. Collection method: clinical testing. Allele origin: germline. Inheritance: Autosomal dominant inheritance.
Comment: The p.Ile30817ProfsX11 variant in TTN has not been previously reported in individuals with cardiomyopathy but has been reported by other clinical laboratories in ClinVar (Variation ID: 504430). This variant is absent from large population studies. This variant is predicted to cause a frameshift, which alters the protein’s amino acid sequence beginning at position 30817 and leads to a premature termination codon 11 amino acids downstream. This alteration is then predicted to lead to a truncated or absent protein. TTN truncating variants encoded in constitutive exons (PSI >95%) have been found to be significantly associated with dilated cardiomyopathy (DCM) regardless of their position in titin (Roberts 2015 PMID:25589632, Schafer 2017 PMID:27869827). The p.Ile30817ProfsX11 variant is located in such a highly expressed exon in the A-band. In summary, although additional studies are required to fully establish its clinical significance, this variant meets criteria to be classified as likely pathogenic for autosomal dominant DCM. ACMG/AMP Criteria applied: PVS1, PM2_Supporting.

Labcorp Genetics (formerly Invitae), Labcorp
Classification: Likely pathogenic for Dilated cardiomyopathy 1G; Autosomal recessive limb-girdle muscular dystrophy type 2J. Last evaluated: 2021-02-11. Review status: criteria provided, single submitter. Criteria: Invitae Variant Classification Sherloc (09022015). Collection method: clinical testing. Allele origin: germline.
Comment: This sequence change creates a premature translational stop signal (p.Ile33385Profs*11) in the TTN gene. While this is not anticipated to result in nonsense mediated decay, it is expected to create a truncated TTN protein. In summary, the currently available evidence indicates that the variant is pathogenic, but additional data are needed to prove that conclusively. Therefore, this variant has been classified as Likely Pathogenic. This variant is located in the A band of TTN (PMID: 25589632). Truncating variants in this region are significantly overrepresented in patients affected with dilated cardiomyopathy (PMID: 25589632). Truncating variants in this region have also been reported in individuals affected with autosomal recessive centronuclear myopathy (PMID: 23975875). Algorithms developed to predict the effect of sequence changes on RNA splicing suggest that this variant may create or strengthen a splice site, but this prediction has not been confirmed by published transcriptional studies. This variant has not been reported in the literature in individuals with TTN-related conditions. ClinVar contains an entry for this variant (Variation ID: 504430). This variant is not present in population databases (ExAC no frequency).

GeneDx
Classification: Likely pathogenic. Last evaluated: 2018-03-05. Review status: criteria provided, single submitter. Criteria: GeneDx Variant Classification (06012015). Collection method: clinical testing. Allele origin: germline. Affected: yes.
Comment: The c.95204_95228dup25 likely pathogenic variant in the TTN gene has not been reported previously as a pathogenic variant or as a benign variant, to our knowledge. This variant causes a shift in reading frame starting at codon isoleucine 31744, changing it to a proline, and creating a premature stop codon at position 11 of the new reading frame, denoted p.Ile31744ProfsX11. This likely pathogenic variant is expected to result in either an abnormal, truncated protein product or loss of protein from this allele through nonsense-mediated mRNA decay. Other truncating TTN variants have been reported in approximately 3% of control alleles (Herman et al., 2012). However, the c.95204_95228dup25 variant is located in the A-band region of titin, where the majority of truncating pathogenic variants associated with DCM have been reported (Herman et al., 2012). Moreover, this variant has not been observed in large population cohorts (Lek et al., 2016).

Literature cited by the submitters: PubMed 25589632 (cited by Laboratory for Molecular Medicine, Mass General Brigham Personalized Medicine and Labcorp Genetics (formerly Invitae), Labcorp); PubMed 27869827 (cited by Laboratory for Molecular Medicine, Mass General Brigham Personalized Medicine); PubMed 23975875 (cited by Labcorp Genetics (formerly Invitae), Labcorp).

NM_001267550.2(TTN):c.100127_100151dup (p.Ile33385fs)

Genes: TTN-AS1 (TTN antisense RNA 1; plus strand), TTN (titin; minus strand), LOC126806420 (BRD4-independent group 4 enhancer GRCh37_chr2:179401104-179402303; plus strand). Cytogenetic location: 2q31.2.
Variant type: Duplication.
Coding change: c.100127_100151dup on transcript NM_001267550.2 (MANE Select); coding-DNA positions 100127 to 100151, 25 bases duplicated (ACCCTCTAGAAGTGTCCTCAGTTGT).
Protein change: p.Ile33385fs; shifts the reading frame from isoleucine 33385.
Molecular consequence: frameshift variant.
Genome position (GRCh38, 1-based): chr2:178,536,958-178,536,982, ACAACTGAGGACACTTCTAGAGGGT duplicated on the plus strand (ACCCTCTAGAAGTGTCCTCAGTTGT on the coding strand, the reverse complement: TTN is on the minus strand). VCF-style (leftmost placement, unchanged base first): chr2-178536957-C-CACAACTGAGGACACTTCTAGAGGGT. GRCh37 (hg19) VCF-style: chr2-179401684-C-CACAACTGAGGACACTTCTAGAGGGT.
Other names: c.72932_72956dup, p.Ile24320fs (NM_003319.4); c.92423_92447dup, p.Ile30817fs (NM_133378.4); c.73307_73331dup, p.Ile24445fs (NM_133432.3); c.73508_73532dup, p.Ile24512fs (NM_133437.4); c.95204_95228dup, p.Ile31744fs (NM_001256850.1); short protein forms I24512fs, I24320fs, I24445fs, I30817fs, I31744fs, I33385fs.
Identifiers: ClinVar variation 504430 (VCV000504430.11), dbSNP rs1553503113, ClinGen allele CA658795991.